The following is an entry in ClinVar:

ClinVar aggregate classification (germline): Pathogenic (1 of 4 stars; one submission).

Submission:

Labcorp Genetics (formerly Invitae), Labcorp
Classification: Pathogenic. Last evaluated: 2020-09-15. Review status: criteria provided, single submitter. Criteria: Invitae Variant Classification Sherloc (09022015). Collection method: clinical testing. Allele origin: germline.
Comment: This sequence change creates a premature translational stop signal (p.Glu838Serfs*5) in the LAMC2 gene. It is expected to result in an absent or disrupted protein product. For these reasons, this variant has been classified as Pathogenic. Loss-of-function variants in LAMC2 are known to be pathogenic (PMID: 11907499, 16473856). This variant has not been reported in the literature in individuals with LAMC2-related conditions. This variant is not present in population databases (ExAC no frequency).

Literature cited by the submitters: PubMed 11907499; PubMed 16473856.

NM_005562.3(LAMC2):c.2511_2572del (p.Glu838fs)

Gene: LAMC2 (laminin subunit gamma 2; plus strand). Cytogenetic location: 1q25.3.
Variant type: Deletion.
Coding change: c.2511_2572del on transcript NM_005562.3 (MANE Select); coding-DNA positions 2511 to 2572, 62 bases deleted.
Protein change: p.Glu838fs; shifts the reading frame from glutamic acid 838.
Molecular consequence: frameshift variant.
Genome position (GRCh38, 1-based): chr1:183,236,514-183,236,575, 62 bases deleted. GRCh37 (hg19): chr1:183,205,649-183,205,710.
Other names: c.2511_2572del, p.Glu838fs (NM_018891.3); short protein forms E838fs.
Identifiers: ClinVar variation 1069137 (VCV001069137.7), dbSNP rs2102247050, ClinGen allele CA2499214341.